The following is an entry in ClinVar:

ClinVar aggregate classification (germline): Pathogenic/Likely pathogenic. Review status: criteria provided, multiple submitters, no conflicts (2 of 4 stars). 4 submissions from 4 submitters: Pathogenic (3); Likely pathogenic (1). Last evaluated 2018-04-26.

Conditions:
Hereditary cancer-predisposing syndrome. Also called: Neoplastic Syndromes, Hereditary; Hereditary Cancer Syndrome; Hereditary neoplastic syndrome; Tumor predisposition. Identifiers: Orphanet 140162, MedGen C0027672, MeSH D009386, MONDO:0015356.
Hereditary breast ovarian cancer syndrome. Also called: Hereditary breast and ovarian cancer syndrome (HBOC); Hereditary breast and ovarian cancer syndrome; Breast and ovarian cancer; Hereditary breast and/or ovarian cancer syndrome; Hereditary breast and ovarian cancer; BRCA1- and BRCA2-Associated Hereditary Breast and Ovarian Cancer. Identifiers: Orphanet 145, MedGen C0677776, MeSH D061325, MONDO:0003582. Disease mechanism: loss of function.

Submissions (4):

Ambry Genetics
Classification: Pathogenic for Hereditary cancer-predisposing syndrome. Last evaluated: 2018-04-26. Review status: criteria provided, single submitter. Criteria: Ambry Variant Classification Scheme 2023. Collection method: clinical testing. Allele origin: germline.
Comment: The p.K1531* pathogenic mutation (also known as c.4591A>T), located in coding exon 10 of the BRCA2 gene, results from an A to T substitution at nucleotide position 4591. This changes the amino acid from a lysine to a stop codon within coding exon 10. This alteration is expected to result in loss of function by premature protein truncation or nonsense-mediated mRNA decay. As such, this alteration is interpreted as a disease-causing mutation.

Women's Health and Genetics/Laboratory Corporation of America, LabCorp
Classification: Likely pathogenic for Hereditary breast ovarian cancer syndrome. Last evaluated: 2017-06-29. Review status: criteria provided, single submitter. Criteria: LabCorp Variant Classification Summary - May 2015. Collection method: clinical testing. Allele origin: germline.
Comment: Variant summary: The BRCA2 c.4591A>T (p.Lys1531X) variant results in a premature termination codon, predicted to cause a truncated or absent BRCA2 protein due to nonsense mediated decay, which are commonly known mechanisms for disease. Truncations downstream of this position have been classified as pathogenic by our laboratory (e.g.c.7757G>A/p.Trp2586X, c.8575delC/p.Gln2859fsX4). One in silico tool predicts a damaging outcome for this variant. This variant is absent in 120446 control chromosomes. The variant of interest has not, to our knowledge, been reported in affected individuals via publications and/or reputable databases/clinical diagnostic laboratories; nor evaluated for functional impact by in vivo/vitro studies. Taken together, this variant is classified as likely pathogenic.

Labcorp Genetics (formerly Invitae), Labcorp
Classification: Pathogenic for Hereditary breast ovarian cancer syndrome. Last evaluated: 2017-03-12. Review status: criteria provided, single submitter. Criteria: Invitae Variant Classification Sherloc (09022015). Collection method: clinical testing. Allele origin: germline.
Comment: For these reasons, this variant has been classified as Pathogenic. While this particular variant has not been reported in the literature, loss-of-function variants in BRCA2 are known to be pathogenic (PMID: 20104584). This sequence change creates a premature translational stop signal at codon 1531 (p.Lys1531*) of the BRCA2 gene. It is expected to result in an absent or disrupted protein product.

GeneDx
Classification: Pathogenic. Last evaluated: 2017-01-17. Review status: criteria provided, single submitter. Criteria: GeneDx Variant Classification (06012015). Collection method: clinical testing. Allele origin: germline. Affected: yes.
Comment: This variant is denoted BRCA2 c.4591A>T at the cDNA level and p.Lys1531Ter (K1531X) at the protein level. The substitution creates a nonsense variant, which changes a Lysine to a premature stop codon (AAA>TAA), and is predicted to cause loss of normal protein function through either protein truncation or nonsense-mediated mRNA decay. Using alternate nomenclature, this variant would be defined as BRCA2 c.4819A>T. Although this variant has not, to our knowledge, been reported in the literature, it is considered pathogenic.

Literature cited by the submitters: PubMed 20104584 (cited by Labcorp Genetics (formerly Invitae), Labcorp).

NM_000059.4(BRCA2):c.4591A>T (p.Lys1531Ter)

Gene: BRCA2 (BRCA2 DNA repair associated; plus strand). Cytogenetic location: 13q13.1.
Variant type: single nucleotide variant.
Coding change: c.4591A>T on transcript NM_000059.4 (MANE Select); coding-DNA position 4591, A replaced by T.
Protein change: p.Lys1531Ter; replaces lysine 1531 with a stop codon.
Molecular consequence: nonsense.
Genome position (GRCh38, 1-based): chr13:32,338,946, A>T. VCF-style: chr13-32338946-A-T. GRCh37 (hg19) VCF-style: chr13-32913083-A-T.
Other names: short protein forms K1531*.
Identifiers: ClinVar variation 462349 (VCV000462349.12), dbSNP rs1555283865, ClinGen allele CA387781936.